The following is an entry in ClinVar:

ClinVar aggregate classification (germline): Uncertain significance (1 of 4 stars; one submission).

Submission:

Labcorp Genetics (formerly Invitae), Labcorp
Classification: Uncertain significance. Last evaluated: 2021-08-31. Review status: criteria provided, single submitter. Criteria: Invitae Variant Classification Sherloc (09022015). Collection method: clinical testing. Allele origin: germline.
Comment: This variant has not been reported in the literature in individuals affected with RP1-related conditions. This variant, c.2351_2356del, results in the deletion of 2 amino acid(s) of the RP1 protein (p.Lys784_Ile785del), but otherwise preserves the integrity of the reading frame. This variant is not present in population databases (ExAC no frequency). Experimental studies and prediction algorithms are not available or were not evaluated, and the functional significance of this variant is currently unknown. In summary, the available evidence is currently insufficient to determine the role of this variant in disease. Therefore, it has been classified as a Variant of Uncertain Significance.

NM_006269.2(RP1):c.2351_2356del (p.Lys784_Ile785del)

Gene: RP1 (RP1 axonemal microtubule associated; plus strand). Cytogenetic location: 8q12.1.
Variant type: Deletion.
Coding change: c.2351_2356del on transcript NM_006269.2 (MANE Select); coding-DNA positions 2351 to 2356, 6 bases deleted (AAATAA; older notation c.2351_2356delAAATAA).
Protein change: p.Lys784_Ile785del.
Molecular consequence: inframe deletion. On other transcripts: intron variant (1).
Genome position (GRCh38, 1-based): chr8:54,626,233-54,626,238, AAATAA deleted; deleting any 6 consecutive bases within chr8:54,626,232-54,626,238 gives the same sequence; the c. name uses the placement nearest the transcript's 3' end. VCF-style (leftmost placement, unchanged base first): chr8-54626231-TAAAATA-T. GRCh37 (hg19) VCF-style: chr8-55538791-TAAAATA-T.
Other names: c.787+3945_787+3950del (NM_001375654.1).
Identifiers: ClinVar variation 1374658 (VCV001374658.6), dbSNP rs2129316576, ClinGen allele CA2573143223.